The following is an entry in ClinVar:

NM_182914.3(SYNE2):c.12243T>A (p.Asp4081Glu)

Gene: SYNE2 (spectrin repeat containing nuclear envelope protein 2; plus strand). Cytogenetic location: 14q23.2.
Variant type: single nucleotide variant.
Coding change: c.12243T>A on transcript NM_182914.3 (MANE Select); coding-DNA position 12243, T replaced by A.
Protein change: p.Asp4081Glu; replaces aspartic acid 4081 with glutamic acid.
Molecular consequence: missense variant.
Genome position (GRCh38, 1-based): chr14:64,098,083, T>A. VCF-style: chr14-64098083-T-A. GRCh37 (hg19) VCF-style: chr14-64564801-T-A.
Other names: c.12243T>A, p.Asp4081Glu (NM_015180.6); short protein forms D4081E.
Identifiers: ClinVar variation 2878804 (VCV002878804.3), dbSNP rs2097691922, ClinGen allele CA389952778.

ClinVar aggregate classification (germline): Uncertain significance (1 of 4 stars; one submission).

Conditions:
Emery-Dreifuss muscular dystrophy 5, autosomal dominant (EDMD5). Also called: EMERY-DREIFUSS MUSCULAR DYSTROPHY 5. Identifiers: Orphanet 261, MedGen C2751805, MONDO:0013072, OMIM 612999.

Submission:

Labcorp Genetics (formerly Invitae), Labcorp
Classification: Uncertain significance for Emery-Dreifuss muscular dystrophy 5, autosomal dominant. Last evaluated: 2023-05-23. Review status: criteria provided, single submitter. Criteria: Invitae Variant Classification Sherloc (09022015). Collection method: clinical testing. Allele origin: germline.
Comment: Algorithms developed to predict the effect of missense changes on protein structure and function output the following: SIFT: "Not Available"; PolyPhen-2: "Benign"; Align-GVGD: "Not Available". The glutamic acid amino acid residue is found in multiple mammalian species, which suggests that this missense change does not adversely affect protein function. In summary, the available evidence is currently insufficient to determine the role of this variant in disease. Therefore, it has been classified as a Variant of Uncertain Significance. This variant has not been reported in the literature in individuals affected with SYNE2-related conditions. This variant is not present in population databases (gnomAD no frequency). This sequence change replaces aspartic acid, which is acidic and polar, with glutamic acid, which is acidic and polar, at codon 4081 of the SYNE2 protein (p.Asp4081Glu).